The following is an entry in ClinVar:

ClinVar aggregate classification (germline): Uncertain significance (1 of 4 stars; one submission).

Conditions:
Kleefstra syndrome 1 (KLEFS1). Identifiers: Orphanet 261494, MedGen C0795833, MONDO:0027407, OMIM 610253.

gnomAD v4.1: 1 of 1,614,218 alleles (0.000062%); highest among the groups gnomAD compares: Non-Finnish European, 0.000085%; no homozygotes.

Submission:

Labcorp Genetics (formerly Invitae), Labcorp
Classification: Uncertain significance for Kleefstra syndrome 1. Last evaluated: 2024-02-24. Review status: criteria provided, single submitter. Criteria: Invitae Variant Classification Sherloc (09022015). Collection method: clinical testing. Allele origin: germline.
Comment: This sequence change replaces methionine, which is neutral and non-polar, with leucine, which is neutral and non-polar, at codon 524 of the EHMT1 protein (p.Met524Leu). This variant is not present in population databases (gnomAD no frequency). This variant has not been reported in the literature in individuals affected with EHMT1-related conditions. Advanced modeling of protein sequence and biophysical properties (such as structural, functional, and spatial information, amino acid conservation, physicochemical variation, residue mobility, and thermodynamic stability) performed at Invitae indicates that this missense variant is not expected to disrupt EHMT1 protein function with a negative predictive value of 80%. In summary, the available evidence is currently insufficient to determine the role of this variant in disease. Therefore, it has been classified as a Variant of Uncertain Significance.

NM_024757.5(EHMT1):c.1570A>C (p.Met524Leu)

Genes: EHMT1 (euchromatic histone lysine methyltransferase 1; plus strand), LOC130003148 (ATAC-STARR-seq lymphoblastoid active region 29369; plus strand). Cytogenetic location: 9q34.3.
Variant type: single nucleotide variant.
Coding change: c.1570A>C on transcript NM_024757.5 (MANE Select); coding-DNA position 1570, A replaced by C.
Protein change: p.Met524Leu; replaces methionine 524 with leucine.
Molecular consequence: missense variant.
Genome position (GRCh38, 1-based): chr9:137,762,743, A>C. VCF-style: chr9-137762743-A-C. GRCh37 (hg19) VCF-style: chr9-140657195-A-C.
Other names: c.1570A>C, p.Met524Leu (NM_001145527.2, NM_001354611.2); c.1477A>C, p.Met493Leu (NM_001354259.2, NM_001354612.2); c.1549A>C, p.Met517Leu (NM_001354263.2); short protein forms M493L, M517L, M524L.
Identifiers: ClinVar variation 3699798 (VCV003699798.2).
Genomic context (GRCh38, chr9:137,762,743, plus strand): 5'-AACGGTCCAGATGTGCTGGAGACAGACGGCCTCCAGGAAGTGCCTCTCTGCAGCTGCCGG[A>C]TGGAAACACCGAAGAGTCGAGAGATCACCACACTGGCCAACAACCAGTGCATGGCTACAG-3'
Protein context (NP_079033.4, residues 514-534): LQEVPLCSCR[Met524Leu]ETPKSREITT